The following is an entry in ClinVar:

ClinVar aggregate classification (germline): Conflicting classifications of pathogenicity. Review status: criteria provided, conflicting classifications (1 of 4 stars). 3 submissions from 3 submitters: Uncertain significance (2); Likely benign (1). Last evaluated 2022-09-27.

Conditions:
Inborn genetic diseases. Identifiers: MedGen C0950123, MeSH D030342.
Immunodeficiency 35 (IMD35). Also called: TYK2 DEFICIENCY; HIES WITH ATYPICAL MYCOBACTERIOSIS, AUTOSOMAL RECESSIVE; HYPER-IgE SYNDROME WITH ATYPICAL MYCOBACTERIOSIS, AUTOSOMAL RECESSIVE; Susceptibility to infection due to TYK2 deficiency. Identifiers: Orphanet 331226, MedGen C1969086, MONDO:0012682, OMIM 611521.

Allele frequency attached by ClinVar (database versions not stated): gnomAD 0.00001; TOPMed 0.00003; gnomAD exomes 0.00004 and 0.00006; ExAC 0.00005.
gnomAD v4.1: 89 of 1,613,988 alleles (0.0055%); highest among the groups gnomAD compares: South Asian, 0.015%; no homozygotes.

Submissions (3):

Ambry Genetics
Classification: Likely benign for Inborn genetic diseases. Last evaluated: 2022-09-27. Review status: criteria provided, single submitter. Criteria: Ambry Variant Classification Scheme 2023. Collection method: clinical testing. Allele origin: germline.

Labcorp Genetics (formerly Invitae), Labcorp
Classification: Uncertain significance for Immunodeficiency 35. Last evaluated: 2022-06-14. Review status: criteria provided, single submitter. Criteria: Invitae Variant Classification Sherloc (09022015). Collection method: clinical testing. Allele origin: germline.
Comment: This sequence change replaces proline, which is neutral and non-polar, with leucine, which is neutral and non-polar, at codon 369 of the TYK2 protein (p.Pro369Leu). This variant is present in population databases (rs760895143, gnomAD 0.01%). This variant has not been reported in the literature in individuals affected with TYK2-related conditions. ClinVar contains an entry for this variant (Variation ID: 430205). Algorithms developed to predict the effect of missense changes on protein structure and function output the following: SIFT: "Not Available"; PolyPhen-2: "Benign"; Align-GVGD: "Not Available". The leucine amino acid residue is found in multiple mammalian species, which suggests that this missense change does not adversely affect protein function. In summary, the available evidence is currently insufficient to determine the role of this variant in disease. Therefore, it has been classified as a Variant of Uncertain Significance.

GeneDx
Classification: Uncertain significance. Last evaluated: 2017-05-23. Review status: criteria provided, single submitter. Criteria: GeneDx Variant Classification (06012015). Collection method: clinical testing. Allele origin: germline. Affected: yes.
Comment: The P369L variant has not been published as a pathogenic variant, nor has it been reported as a benign variant to our knowledge. The variant is observed in 3/11540 (0.026%) alleles from individuals of Latino background in the ExAC dataset (Lek et al., 2016). P369L is a semi-conservative amino acid substitution, which may impact secondary protein structure as these residues differ in some properties. However, this substitution occurs at a position that is not conserved, and in silico analysis predicts this variant likely does not alter the protein structure/function. In summary, based on the currently available information, it is unclear whether this variant is a pathogenic variant or a rare benign variant.

NM_003331.5(TYK2):c.1106C>T (p.Pro369Leu)

Gene: TYK2 (tyrosine kinase 2; minus strand). Cytogenetic location: 19p13.2.
Variant type: single nucleotide variant.
Coding change: c.1106C>T on transcript NM_003331.5 (MANE Select); coding-DNA position 1106, C replaced by T.
Protein change: p.Pro369Leu; replaces proline 369 with leucine.
Molecular consequence: missense variant.
Genome position (GRCh38, 1-based): chr19:10,364,954, G>A on the plus strand (C>T on the coding strand, the complement: TYK2 is on the minus strand). VCF-style: chr19-10364954-G-A. GRCh37 (hg19) VCF-style: chr19-10475630-G-A.
Other names: c.1106C>T (LRG_121t1); short protein forms P369L.
Identifiers: ClinVar variation 430205 (VCV000430205.5), dbSNP rs760895143, ClinGen allele CA9193527.